The following is an entry in ClinVar:

NM_001378454.1(ALMS1):c.3727G>C (p.Glu1243Gln)

Gene: ALMS1 (ALMS1 centrosome and basal body associated protein; plus strand). Cytogenetic location: 2p13.1.
Variant type: single nucleotide variant.
Coding change: c.3727G>C on transcript NM_001378454.1 (MANE Select); coding-DNA position 3727, G replaced by C.
Protein change: p.Glu1243Gln; replaces glutamic acid 1243 with glutamine.
Molecular consequence: missense variant.
Genome position (GRCh38, 1-based): chr2:73,450,254, G>C. VCF-style: chr2-73450254-G-C. GRCh37 (hg19) VCF-style: chr2-73677381-G-C.
Other names: c.3730G>C, p.Glu1244Gln (NM_015120.4); short protein forms E1244Q, E1243Q.
Identifiers: ClinVar variation 459865 (VCV000459865.11), dbSNP rs372620412, ClinGen allele CA1713581.
Genomic context (GRCh38, chr2:73,450,254, plus strand): 5'-GGACCAGCTGACCAGAAGACTGGGACACCAACTCCAACCTCTGCTTCTTACTCACACACA[G>C]AGAAGCCTGGTATTTTCTACCAACAGGTCTTGCCAGATAATCATCCAACTGAAGAGGCTC-3'
Protein context (NP_001365383.1, residues 1233-1253): TPTSASYSHT[Glu1243Gln]KPGIFYQQVL

ClinVar aggregate classification (germline): Conflicting classifications of pathogenicity. Review status: criteria provided, conflicting classifications (1 of 4 stars). 6 submissions from 6 submitters: Uncertain significance (3); Likely benign (2). 1 of the submissions does not count toward it. Last evaluated 2026-04-01.

Conditions:
Cardiovascular phenotype. Identifiers: MedGen CN230736.
Alstrom syndrome (ALMS). Identifiers: Orphanet 64, MedGen C0268425, MONDO:0008763, OMIM 203800.

Allele frequency attached by ClinVar (database versions not stated): gnomAD exomes 0.00005 and 0.00018; TOPMed 0.00008; gnomAD 0.00010 and 0.00013; ExAC 0.00017; ESP Exome Variant Server 0.00017; 1000 Genomes Project 0.00100; 1000 Genomes Project 30x 0.00109.
gnomAD v4.1: 97 of 1,614,042 alleles (0.006%); highest among the groups gnomAD compares: East Asian, 0.11%; 1 homozygote.

Submissions (6):

GeneDx
Classification: Uncertain significance. Last evaluated: 2026-04-01. Review status: criteria provided, single submitter. Criteria: GeneDx Variant Classification Process June 2021. Collection method: clinical testing. Allele origin: germline.
Comment: Reported in a patient with early-onset RP in published literature (PMID: 28456785); In silico analysis suggests that this missense variant does not alter protein structure/function; This variant is associated with the following publications: (PMID: 28456785)

Blueprint Genetics
Classification: Likely benign. Last evaluated: 2023-10-18. Review status: criteria provided, single submitter. Criteria: ACMG Guidelines, 2015. Collection method: clinical testing. Allele origin: germline.

Labcorp Genetics (formerly Invitae), Labcorp
Classification: Uncertain significance for Alstrom syndrome. Last evaluated: 2022-10-31. Review status: criteria provided, single submitter. Criteria: Invitae Variant Classification Sherloc (09022015). Collection method: clinical testing. Allele origin: germline.
Comment: This sequence change replaces glutamic acid, which is acidic and polar, with glutamine, which is neutral and polar, at codon 1244 of the ALMS1 protein (p.Glu1244Gln). This variant is present in population databases (rs372620412, gnomAD 0.2%), including at least one homozygous and/or hemizygous individual. This variant has not been reported in the literature in individuals affected with ALMS1-related conditions. ClinVar contains an entry for this variant (Variation ID: 459865). Experimental studies and prediction algorithms are not available or were not evaluated, and the functional significance of this variant is currently unknown. In summary, the available evidence is currently insufficient to determine the role of this variant in disease. Therefore, it has been classified as a Variant of Uncertain Significance.

Fulgent Genetics
Classification: Uncertain significance for Alstrom syndrome. Last evaluated: 2022-05-28. Review status: criteria provided, single submitter. Criteria: ACMG Guidelines, 2015. Collection method: clinical testing. Allele origin: unknown.

Ambry Genetics
Classification: Likely benign for Cardiovascular phenotype. Last evaluated: 2021-08-05. Review status: criteria provided, single submitter. Criteria: Ambry Variant Classification Scheme 2023. Collection method: clinical testing. Allele origin: germline.

Natera, Inc.
Classification: Uncertain significance for Alstrom syndrome. Last evaluated: 2020-09-16. Review status: no assertion criteria provided. Collection method: clinical testing. Allele origin: germline. Not counted in ClinVar's aggregate classification.

Literature cited by the submitters: PubMed 28456785 (cited by Ambry Genetics).